The following is an entry in ClinVar:

ClinVar aggregate classification (germline): Uncertain significance (1 of 4 stars; one submission).

Allele frequency attached by ClinVar (database versions not stated): 1000 Genomes Project 30x 0.00078; 1000 Genomes Project 0.00080.
gnomAD v4.1: 36 of 1,614,188 alleles (0.0022%); highest among the groups gnomAD compares: African/African-American, 0.019%; no homozygotes.

Submission:

Labcorp Genetics (formerly Invitae), Labcorp
Classification: Uncertain significance. Last evaluated: 2022-09-02. Review status: criteria provided, single submitter. Criteria: Invitae Variant Classification Sherloc (09022015). Collection method: clinical testing. Allele origin: germline.
Comment: This sequence change replaces arginine, which is basic and polar, with histidine, which is basic and polar, at codon 502 of the RBBP8 protein (p.Arg502His). This variant is present in population databases (rs186510646, gnomAD 0.03%). This variant has not been reported in the literature in individuals affected with RBBP8-related conditions. Algorithms developed to predict the effect of missense changes on protein structure and function output the following: SIFT: "Tolerated"; PolyPhen-2: "Benign"; Align-GVGD: "Class C0". The histidine amino acid residue is found in multiple mammalian species, which suggests that this missense change does not adversely affect protein function. In summary, the available evidence is currently insufficient to determine the role of this variant in disease. Therefore, it has been classified as a Variant of Uncertain Significance.

NM_002894.3(RBBP8):c.1505G>A (p.Arg502His)

Gene: RBBP8 (RB binding protein 8, endonuclease; plus strand). Cytogenetic location: 18q11.2.
Variant type: single nucleotide variant.
Coding change: c.1505G>A on transcript NM_002894.3 (MANE Select); coding-DNA position 1505, G replaced by A.
Protein change: p.Arg502His; replaces arginine 502 with histidine.
Molecular consequence: missense variant.
Genome position (GRCh38, 1-based): chr18:22,993,332, G>A. VCF-style: chr18-22993332-G-A. GRCh37 (hg19) VCF-style: chr18-20573295-G-A.
Other names: c.1505G>A, p.Arg502His (NM_203291.2, NM_203292.2); short protein forms R502H.
Identifiers: ClinVar variation 1985768 (VCV001985768.1), dbSNP rs186510646, ClinGen allele CA8910080.